The following is an entry in ClinVar:

ClinVar aggregate classification (germline): Likely benign. Review status: criteria provided, multiple submitters, no conflicts (2 of 4 stars). 7 submissions from 7 submitters: Likely benign (6). 1 of the submissions does not count toward it. Last evaluated 2026-02-03.

Conditions:
POLE-related polyposis and colorectal cancer syndrome. Identifiers: MedGen CN324030, MONDO:0100287.
Colorectal cancer, susceptibility to, 12 (CRCS12). Also called: COLORECTAL CANCER, SUSCEPTIBILITY TO, ON CHROMOSOME 12q24. Identifiers: Orphanet 220460, MedGen C3554460, MONDO:0014038, OMIM 615083.

Allele frequency attached by ClinVar (database versions not stated): gnomAD 0.00012 and 0.00011; gnomAD exomes 0.00012 and 0.00009; ExAC 0.00012; 1000 Genomes Project 30x 0.00016; 1000 Genomes Project 0.00020; TOPMed 0.00020.
gnomAD v4.1: 158 of 1,613,516 alleles (0.0098%); highest among the groups gnomAD compares: South Asian, 0.093%; no homozygotes.

Submissions (7):

Labcorp Genetics (formerly Invitae), Labcorp
Classification: Likely benign. Last evaluated: 2026-02-03. Review status: criteria provided, single submitter. Criteria: Invitae Variant Classification Sherloc (09022015). Collection method: clinical testing. Allele origin: germline.

Center for Genomic Medicine, Rigshospitalet, Copenhagen University Hospital
Classification: Likely benign. Last evaluated: 2025-03-04. Review status: criteria provided, single submitter. Criteria: ACMG Guidelines, 2015. Collection method: clinical testing. Allele origin: germline.

KCCC/NGS Laboratory, Kuwait Cancer Control Center
Classification: Likely benign for Colorectal cancer, susceptibility to, 12. Last evaluated: 2023-07-07. Review status: criteria provided, single submitter. Criteria: ACMG Guidelines, 2015. Collection method: clinical testing. Allele origin: germline. Affected: yes.

Blueprint Genetics
Classification: Likely benign. Last evaluated: 2021-11-02. Review status: criteria provided, single submitter. Criteria: ACMG Guidelines, 2015. Collection method: clinical testing. Allele origin: germline.

Department of Pathology and Laboratory Medicine, Sinai Health System
Classification: Likely benign for POLE-related polyposis and colorectal cancer syndrome. Last evaluated: 2020-03-27. Review status: criteria provided, single submitter. Criteria: ACMG Guidelines, 2015. Collection method: clinical testing. Allele origin: germline.

GeneDx
Classification: Likely benign. Last evaluated: 2017-11-20. Review status: criteria provided, single submitter. Criteria: GeneDx Variant Classification (06012015). Collection method: clinical testing. Allele origin: germline. Affected: yes.
Comment: This variant is considered likely benign or benign based on one or more of the following criteria: it is a conservative change, it occurs at a poorly conserved position in the protein, it is predicted to be benign by multiple in silico algorithms, and/or has population frequency not consistent with disease.

Counsyl
Classification: Likely benign for Colorectal cancer, susceptibility to, 12. Last evaluated: 2016-08-18. Review status: no assertion criteria provided. Collection method: clinical testing. Allele origin: unknown. Not counted in ClinVar's aggregate classification.

NM_006231.4(POLE):c.1226+13G>A

Gene: POLE (DNA polymerase epsilon, catalytic subunit; minus strand). Cytogenetic location: 12q24.33.
Variant type: single nucleotide variant.
Coding change: c.1226+13G>A on transcript NM_006231.4 (MANE Select); 13 bases into the intron after coding-DNA position 1226, G replaced by A.
Molecular consequence: intron variant.
Genome position (GRCh38, 1-based): chr12:132,675,385, C>T on the plus strand (G>A on the coding strand, the complement: POLE is on the minus strand). VCF-style: chr12-132675385-C-T. GRCh37 (hg19) VCF-style: chr12-133251971-C-T.
Other names: c.1226+13G>A (NM_006231.3).
Identifiers: ClinVar variation 371924 (VCV000371924.14), dbSNP rs577646338, ClinGen allele CA6894043.